The following is an entry in ClinVar:

NM_213655.5(WNK1):c.2462_2463dup (p.Ile822fs)

Gene: WNK1 (WNK lysine deficient protein kinase 1; plus strand). Cytogenetic location: 12p13.33.
Variant type: Duplication.
Coding change: c.2462_2463dup on transcript NM_213655.5 (MANE Plus Clinical); coding-DNA positions 2462 to 2463, 2 bases duplicated (CT; older notation c.2462_2463dupCT).
Protein change: p.Ile822fs; shifts the reading frame from isoleucine 822.
Molecular consequence: frameshift variant. On other transcripts: intron variant (2).
Genome position (GRCh38, 1-based): chr12:867,933-867,934, CT duplicated. VCF-style (leftmost placement, unchanged base first): chr12-867932-A-ACT. GRCh37 (hg19) VCF-style: chr12-977098-A-ACT.
Other names: c.2207_2208dup, p.Ile737fs (NM_001184985.2); c.2140-3332_2140-3331dup (NM_018979.4, NM_014823.3); short protein forms I737fs, I822fs.
Identifiers: ClinVar variation 1071299 (VCV001071299.7), dbSNP rs2154071399, ClinGen allele CA2499221858.

ClinVar aggregate classification (germline): Pathogenic (1 of 4 stars; one submission).

Conditions:
Neuropathy, hereditary sensory and autonomic, type 2A (HSAN2A). Also called: MORVAN DISEASE; NEUROPATHY, CONGENITAL SENSORY; NEUROPATHY, HEREDITARY SENSORY RADICULAR, AUTOSOMAL RECESSIVE; NEUROPATHY, HEREDITARY SENSORY, TYPE IIA; NEUROPATHY, PROGRESSIVE SENSORY, OF CHILDREN; WNK1-Related HSAN2 (HSAN2A). Identifiers: Orphanet 970, MedGen C2752089, MONDO:0024309, OMIM 201300.
Pseudohypoaldosteronism type 2C (PHA2C). Also called: Pseudohypoaldosteronism Type IIC. Identifiers: Orphanet 757, Orphanet 88940, MedGen C1840391, MONDO:0013778, OMIM 614492.

Submission:

Labcorp Genetics (formerly Invitae), Labcorp
Classification: Pathogenic for Neuropathy, hereditary sensory and autonomic, type 2A; Pseudohypoaldosteronism type 2C. Last evaluated: 2020-05-07. Review status: criteria provided, single submitter. Criteria: Invitae Variant Classification Sherloc (09022015). Collection method: clinical testing. Allele origin: germline.
Comment: For these reasons, this variant has been classified as Pathogenic. Loss-of-function variants in WNK1 are known to be pathogenic (PMID: 22910560). This variant has not been reported in the literature in individuals with WNK1-related conditions. This variant is not present in population databases (ExAC no frequency). This sequence change creates a premature translational stop signal (p.Ile822Leufs*19) in the WNK1 gene. It is expected to result in an absent or disrupted protein product.

Literature cited by the submitters: PubMed 22910560.